The following is an entry in ClinVar:

ClinVar aggregate classification (germline): Pathogenic/Likely pathogenic. Review status: criteria provided, multiple submitters, no conflicts (2 of 4 stars). 5 submissions from 5 submitters: Pathogenic (4); Likely pathogenic (1). Last evaluated 2024-10-31.

Conditions:
Autosomal recessive nonsyndromic hearing loss 2. Also called: DEAFNESS, AUTOSOMAL RECESSIVE 2; NEUROSENSORY NONSYNDROMIC RECESSIVE DEAFNESS 2. Identifiers: Orphanet 90636, MedGen C1838701, MONDO:0010807, OMIM 600060.
Usher syndrome type 1B (USH1B). Also called: Usher syndrome type IB. Identifiers: MedGen C1848638, MONDO:0700087.

gnomAD v4.1: 1 of 1,574,738 alleles (0.000064%); highest among the groups gnomAD compares: Non-Finnish European, 0.000086%; no homozygotes.

Submissions (5):

GeneDx
Classification: Pathogenic. Last evaluated: 2024-10-31. Review status: criteria provided, single submitter. Criteria: GeneDx Variant Classification Process June 2021. Collection method: clinical testing. Allele origin: germline. Affected: yes.
Comment: Nonsense variant predicted to result in protein truncation or nonsense mediated decay in a gene for which loss-of-function is a known mechanism of disease; Not observed at significant frequency in large population cohorts (gnomAD); This variant is associated with the following publications: (PMID: 29099798, 32747562, 33528536)

Natera, Inc.
Classification: Pathogenic for Usher syndrome type 1B. Last evaluated: 2024-06-27. Review status: criteria provided, single submitter. Criteria: Natera Variant Classification Schema (03/2026). Collection method: clinical testing. Allele origin: germline.
Comment: The c.5095C>T variant in MYO7A is a nonsense variant predicted to introduce a stop codon at amino acid 1699. This variant is expected to result in nonsense mediated decay, truncation, or a dysfunctional protein product. This variant is rare in the general population with a frequency below the threshold expected for the associated phenotype(s). This variant has been observed in one or more individuals affected with the associated recessive disease, as either homozygous or compound heterozygous with a second variant (PMID: 37466950, 32747562). Given the available evidence, this variant is classified as Pathogenic.

Labcorp Genetics (formerly Invitae), Labcorp
Classification: Pathogenic. Last evaluated: 2023-07-07. Review status: criteria provided, single submitter. Criteria: Invitae Variant Classification Sherloc (09022015). Collection method: clinical testing. Allele origin: germline.
Comment: This sequence change creates a premature translational stop signal (p.Gln1699*) in the MYO7A gene. It is expected to result in an absent or disrupted protein product. Loss-of-function variants in MYO7A are known to be pathogenic (PMID: 8900236, 25404053). This variant is not present in population databases (gnomAD no frequency). This premature translational stop signal has been observed in individual(s) with autosomal recessive MYO7A-related conditions (PMID: 29099798, 32747562). ClinVar contains an entry for this variant (Variation ID: 451703). For these reasons, this variant has been classified as Pathogenic.

King Laboratory, University of Washington
Classification: Pathogenic for Autosomal recessive nonsyndromic hearing loss 2. Last evaluated: 2020-08-01. Review status: criteria provided, single submitter. Criteria: Abu Rayyan A et al. (Proc Natl Acad Sci U S A 2020). Collection method: research. Allele origin: germline. Affected: yes.
Comment: (Trans orientation was established from genotypes of other family members.) The variant is absent from 1300 Palestinian controls and absent from gnomAD v2.1.1.

Mendelics
Classification: Likely pathogenic for Autosomal recessive nonsyndromic hearing loss 2. Last evaluated: 2019-05-28. Review status: criteria provided, single submitter. Criteria: Mendelics Assertion Criteria 2017. Collection method: clinical testing. Allele origin: unknown.

Literature cited by the submitters: PubMed 37466950 (cited by Natera, Inc.); PubMed 32747562 (cited by Natera, Inc. and Labcorp Genetics (formerly Invitae), Labcorp); PubMed 8900236 (cited by Labcorp Genetics (formerly Invitae), Labcorp); PubMed 25404053 (cited by Labcorp Genetics (formerly Invitae), Labcorp); PubMed 29099798 (cited by Labcorp Genetics (formerly Invitae), Labcorp).

NM_000260.4(MYO7A):c.5095C>T (p.Gln1699Ter)

Gene: MYO7A (myosin VIIA; plus strand). Cytogenetic location: 11q13.5.
Variant type: single nucleotide variant.
Coding change: c.5095C>T on transcript NM_000260.4 (MANE Select); coding-DNA position 5095, C replaced by T.
Protein change: p.Gln1699Ter; replaces glutamine 1699 with a stop codon.
Molecular consequence: nonsense.
Genome position (GRCh38, 1-based): chr11:77,202,351, C>T. VCF-style: chr11-77202351-C-T. GRCh37 (hg19) VCF-style: chr11-76913396-C-T.
Other names: c.4981C>T, p.Gln1661Ter (NM_001127180.2); c.4948C>T, p.Gln1650Ter (NM_001369365.1); short protein forms Q1699*, Q1650*, Q1661*.
Identifiers: ClinVar variation 451703 (VCV000451703.16), dbSNP rs530520654, ClinGen allele CA381951651.